The following is an entry in ClinVar:

ClinVar aggregate classification (germline): Uncertain significance (1 of 4 stars; one submission).

Conditions:
Severe combined immunodeficiency due to DNA-PKcs deficiency. Also called: IMMUNODEFICIENCY 26 WITH NEUROLOGIC ABNORMALITIES; Immunodeficiency 26 with or without neurologic abnormalities. Identifiers: Orphanet 317425, MedGen C4014833, MONDO:0014423, OMIM 615966.

Submission:

Labcorp Genetics (formerly Invitae), Labcorp
Classification: Uncertain significance for Severe combined immunodeficiency due to DNA-PKcs deficiency. Last evaluated: 2022-01-15. Review status: criteria provided, single submitter. Criteria: Invitae Variant Classification Sherloc (09022015). Collection method: clinical testing. Allele origin: germline.
Comment: This sequence change replaces asparagine, which is neutral and polar, with threonine, which is neutral and polar, at codon 1610 of the PRKDC protein (p.Asn1610Thr). This variant is not present in population databases (gnomAD no frequency). This variant has not been reported in the literature in individuals affected with PRKDC-related conditions. ClinVar contains an entry for this variant (Variation ID: 653766). Algorithms developed to predict the effect of missense changes on protein structure and function output the following: SIFT: "Not Available"; PolyPhen-2: "Not Available"; Align-GVGD: "Not Available". The threonine amino acid residue is found in multiple mammalian species, which suggests that this missense change does not adversely affect protein function. In summary, the available evidence is currently insufficient to determine the role of this variant in disease. Therefore, it has been classified as a Variant of Uncertain Significance.

NM_006904.7(PRKDC):c.4829A>C (p.Asn1610Thr)

Gene: PRKDC (protein kinase, DNA-activated, catalytic subunit; minus strand). Cytogenetic location: 8q11.21.
Variant type: single nucleotide variant.
Coding change: c.4829A>C on transcript NM_006904.7 (MANE Select); coding-DNA position 4829, A replaced by C.
Protein change: p.Asn1610Thr; replaces asparagine 1610 with threonine.
Molecular consequence: missense variant.
Genome position (GRCh38, 1-based): chr8:47,882,045, T>G on the plus strand (A>C on the coding strand, the complement: PRKDC is on the minus strand). VCF-style: chr8-47882045-T-G. GRCh37 (hg19) VCF-style: chr8-48794606-T-G.
Other names: c.4829A>C, p.Asn1610Thr (NM_001081640.2); short protein forms N1610T.
Identifiers: ClinVar variation 653766 (VCV000653766.6), dbSNP rs1589762969, ClinGen allele CA371142120.